The following is an entry in ClinVar:

NM_002471.4(MYH6):c.4359+9T>C

Gene: MYH6 (myosin heavy chain 6; minus strand). Cytogenetic location: 14q11.2.
Variant type: single nucleotide variant.
Coding change: c.4359+9T>C on transcript NM_002471.4 (MANE Select); 9 bases into the intron after coding-DNA position 4359, T replaced by C.
Molecular consequence: intron variant.
Genome position (GRCh38, 1-based): chr14:23,388,146, A>G on the plus strand (T>C on the coding strand, the complement: MYH6 is on the minus strand). VCF-style: chr14-23388146-A-G. GRCh37 (hg19) VCF-style: chr14-23857355-A-G.
Identifiers: ClinVar variation 930044 (VCV000930044.5), dbSNP rs568461360, ClinGen allele CA7114811.

ClinVar aggregate classification (germline): Benign/Likely benign. Review status: criteria provided, multiple submitters, no conflicts (2 of 4 stars). 2 submissions from 2 submitters: Benign (1); Likely benign (1). Last evaluated 2025-11-25.

Allele frequency attached by ClinVar (database versions not stated): gnomAD below 0.00001 and 0.00003; TOPMed below 0.00001; gnomAD exomes 0.00004; ExAC 0.00006; 1000 Genomes Project 30x 0.00031; 1000 Genomes Project 0.00040.

Submissions (2):

Women's Health and Genetics/Laboratory Corporation of America, LabCorp
Classification: Benign. Last evaluated: 2025-11-25. Review status: criteria provided, single submitter. Criteria: LabCorp Variant Classification Summary - May 2015. Collection method: clinical testing. Allele origin: germline.

Laboratory for Molecular Medicine, Mass General Brigham Personalized Medicine
Classification: Likely benign. Last evaluated: 2019-05-02. Review status: criteria provided, single submitter. Criteria: LMM Criteria. Collection method: clinical testing. Allele origin: germline. Observed: 1 variant allele.
Comment: The c.4359+9T>C variant in MYH6 is classified as likely benign because it has been identified in 0.03% (10/30616) of South Asian chromosomes by gnomAD. Splicing prediction tools and conservation analysis suggest that this variant may not impact the protein. ACMG/AMP Criteria applied: BS1, BP4.